The following is an entry in ClinVar:

NM_001378454.1(ALMS1):c.9782-1269_9859del

Gene: ALMS1 (ALMS1 centrosome and basal body associated protein; plus strand). Cytogenetic location: 2p13.1.
Variant type: Deletion.
Coding change: c.9782-1269_9859del on transcript NM_001378454.1 (MANE Select); 1269 bases into the intron before coding-DNA position 9782 through coding-DNA position 9859, 1,347 bases deleted.
Molecular consequence: splice acceptor variant.
Genome position (GRCh38, 1-based): chr2:73,533,555-73,534,901, 1,347 bases deleted. GRCh37 (hg19): chr2:73,760,682-73,762,028.
Other names: c.9785-1270_9861del (NM_015120.4); c.9785-1269_9862del1347 (NM_015120.4); c.9782-1269_9859del (NM_015120.4).
Identifiers: ClinVar variation 855396 (VCV000855396.2), ClinGen allele CA916082188.

ClinVar aggregate classification (germline): Likely pathogenic. Review status: criteria provided, multiple submitters, no conflicts (2 of 4 stars). 2 submissions from 2 submitters: Likely pathogenic (2). Last evaluated 2022-10-11.

Conditions:
Alstrom syndrome (ALMS). Identifiers: Orphanet 64, MedGen C0268425, MONDO:0008763, OMIM 203800.

Submissions (2):

Women's Health and Genetics/Laboratory Corporation of America, LabCorp
Classification: Likely pathogenic for Alstrom syndrome. Last evaluated: 2022-10-11. Review status: criteria provided, single submitter. Criteria: LabCorp Variant Classification Summary - May 2015. Collection method: clinical testing. Allele origin: germline.
Comment: Variant summary: ALMS1 c.9779-1269_9856del1347 (also known as c.9785-1269_9862del1347 in RefSeq) is a large deletion of part of exon 12 involving a canonical splice-site and is predicted to affect mRNA splicing resulting in a significantly altered protein due to either exon skipping, shortening, or inclusion of intronic material. The variant was absent in 21694 control chromosomes (gnomAD, Structural Variant dataset). To our knowledge, no occurrence of c.9779-1269_9856del1347 in individuals affected with Alstrom Syndrome and no experimental evidence demonstrating its impact on protein function have been reported. One clinical diagnostic laboratory has submitted a clinical-significance assessment for this variant to ClinVar after 2014 and classified the variant as likely pathogenic. Based on the evidence outlined above, the variant was classified as likely pathogenic.

Labcorp Genetics (formerly Invitae), Labcorp
Classification: Likely pathogenic for Alstrom syndrome. Last evaluated: 2019-09-25. Review status: criteria provided, single submitter. Criteria: Invitae Variant Classification Sherloc (09022015). Collection method: clinical testing. Allele origin: germline.
Comment: This variant is a deletion of part of exon 12 (c.9785-1270_9861delinsTC) of the ALMS1 gene. It is expected to disrupt RNA splicing and likely results in an absent or disrupted protein product. This variant has not been reported in the literature in individuals with ALMS1-related conditions. Loss-of-function variants in ALMS1 are known to be pathogenic (PMID: 17594715). In summary, the currently available evidence indicates that the variant is pathogenic, but additional data are needed to prove that conclusively. Therefore, this variant has been classified as Likely Pathogenic.